The following is an entry in ClinVar:

ClinVar aggregate classification (germline): Likely benign (1 of 4 stars; one submission).

gnomAD v4.1: 46 of 1,612,194 alleles (0.0029%); highest among the groups gnomAD compares: Middle Eastern, 0.033%; no homozygotes.

Submission:

CeGaT Center for Human Genetics Tuebingen
Classification: Likely benign. Last evaluated: 2025-09-01. Review status: criteria provided, single submitter. Criteria: CeGaT Center For Human Genetics Tuebingen Variant Classification Criteria Version 2. Collection method: clinical testing. Allele origin: germline. Affected: yes. Observed: 1 variant allele.
Comment: BCAS3: BP4, BP7

NM_017679.5(BCAS3):c.2544C>T (p.Ala848=)

Gene: BCAS3 (BCAS3 microtubule associated cell migration factor; plus strand). Cytogenetic location: 17q23.2.
Variant type: single nucleotide variant.
Coding change: c.2544C>T on transcript NM_017679.5 (MANE Select); coding-DNA position 2544, C replaced by T.
Protein change: p.Ala848=; no amino-acid change (alanine 848 retained).
Molecular consequence: synonymous variant.
Genome position (GRCh38, 1-based): chr17:61,368,445, C>T. VCF-style: chr17-61368445-C-T. GRCh37 (hg19) VCF-style: chr17-59445806-C-T.
Other names: c.2589C>T, p.Ala863= (NM_001099432.3, NM_001330413.2, NM_001353146.2); c.2544C>T, p.Ala848= (NM_001320470.3, NM_001330414.2); c.2679C>T, p.Ala893= (NM_001353144.2); c.2634C>T, p.Ala878= (NM_001353145.2).
Identifiers: ClinVar variation 4281222 (VCV004281222.7).
Genomic context (GRCh38, chr17:61,368,445, plus strand): 5'-CGGGCTGCGGCACATGTCCTCCATGGAGCACACGGAGGAGGGCCTCCGGGAGCGACTTGC[C>T]GACGCCATGGCCGAGTCACCTAGCCGGGACGTCGTGGGATCCGGAACAGGTAAAGGTGTC-3'
Protein context (NP_060149.3, residues 838-858): HTEEGLRERL[Ala848=]DAMAESPSRD